The following is an entry in ClinVar:

NM_000391.4(TPP1):c.1176_1177del (p.Phe393fs)

Gene: TPP1 (tripeptidyl peptidase 1; minus strand). Cytogenetic location: 11p15.4.
Variant type: Deletion.
Coding change: c.1176_1177del on transcript NM_000391.4 (MANE Select); coding-DNA positions 1176 to 1177, 2 bases deleted (CT; older notation c.1176_1177delCT).
Protein change: p.Phe393fs; shifts the reading frame from phenylalanine 393.
Molecular consequence: frameshift variant.
Genome position (GRCh38, 1-based): chr11:6,615,531-6,615,532, AG deleted on the plus strand (CT on the coding strand, the reverse complement: TPP1 is on the minus strand). VCF-style (leftmost placement, unchanged base first): chr11-6615530-AAG-A. GRCh37 (hg19) VCF-style: chr11-6636761-AAG-A.
Other names: short protein forms F393fs.
Identifiers: ClinVar variation 1725361 (VCV001725361.2), dbSNP rs2493797010, ClinGen allele CA2580084005.

ClinVar aggregate classification (germline): Likely pathogenic (1 of 4 stars; one submission).

Conditions:
Neuronal ceroid lipofuscinosis 2. Also called: TPP1-Related Neuronal Ceroid-Lipofuscinosis; JANSKY-BIELSCHOWSKY DISEASE NEURONAL CEROID LIPOFUSCINOSIS, LATE INFANTILE. Identifiers: Orphanet 168491, Orphanet 228349, Orphanet 79264, MedGen C1876161, MONDO:0008769, OMIM 204500.

Submission:

Myriad Genetics, Inc.
Classification: Likely pathogenic for Neuronal ceroid lipofuscinosis 2. Last evaluated: 2022-03-17. Review status: criteria provided, single submitter. Criteria: Myriad Women's Health Autosomal Recessive and X-Linked Classification Criteria (2021). Collection method: clinical testing. Allele origin: unknown.
Comment: NM_000391.3(TPP1):c.1176_1177delCT(F393Pfs*9) is expected to be pathogenic in the context of TPP1-related neuronal ceroid lipofuscinosis. This variant is predicted to lead to an abnormal or absent protein product due to the creation of a premature termination codon in TPP1, a gene where loss-of-function variants are known to be pathogenic. Please note: this variant was assessed in the context of healthy population screening.